The following is an entry in ClinVar:

ClinVar aggregate classification (germline): Uncertain significance. Review status: criteria provided, multiple submitters, no conflicts (2 of 4 stars). 2 submissions from 2 submitters: Uncertain significance (2). Last evaluated 2016-05-06.

Allele frequency attached by ClinVar (database versions not stated): 1000 Genomes Project 30x 0.00031; 1000 Genomes Project 0.00040.
gnomAD v4.1: 15 of 1,614,022 alleles (0.00093%); highest among the groups gnomAD compares: Admixed American, 0.005%; no homozygotes.

Submissions (2):

GeneDx
Classification: Uncertain significance. Last evaluated: 2016-05-06. Review status: criteria provided, single submitter. Criteria: GeneDx Variant Classification (06012015). Collection method: clinical testing. Allele origin: germline. Affected: yes.
Comment: A variant of uncertain significance has been identified in the CNTNAP2 gene. The R1088Q variant has not been published as a pathogenic variant, nor has it been reported as a benign variant to our knowledge. It was not observed in approximately 6,500 individuals of European and African American ancestry in the NHLBI Exome Sequencing Project, and it was not observed with any significant frequency in the 1000 Genomes Project, indicating it is not a common benign variant in these populations. The R1088Q variant is a semi-conservative amino acid substitution, which may impact secondary protein structure as these residues differ in some properties. However, this substitution occurs at a position that is not conserved, and in silico analysis is inconsistent in its predictions as to whether or not the variant is damaging to the protein structure/function. Therefore, based on the currently available information, it is unclear whether this variant is a pathogenic variant or a rare benign variant.

Breakthrough Genomics
Classification: Uncertain significance. Review status: criteria provided, single submitter. Criteria: ACMG Guidelines, 2015. Collection method: not provided. Allele origin: germline. Inheritance: Autosomal recessive inheritance. Affected: yes.

NM_014141.6(CNTNAP2):c.3263G>A (p.Arg1088Gln)

Gene: CNTNAP2 (contactin associated protein 2; plus strand). Cytogenetic location: 7q36.1.
Variant type: single nucleotide variant.
Coding change: c.3263G>A on transcript NM_014141.6 (MANE Select); coding-DNA position 3263, G replaced by A.
Protein change: p.Arg1088Gln; replaces arginine 1088 with glutamine.
Molecular consequence: missense variant.
Genome position (GRCh38, 1-based): chr7:148,229,661, G>A. VCF-style: chr7-148229661-G-A. GRCh37 (hg19) VCF-style: chr7-147926753-G-A.
Other names: short protein forms R1088Q.
Identifiers: ClinVar variation 421048 (VCV000421048.3), dbSNP rs201827086, ClinGen allele CA4546600.